The following is an entry in ClinVar:

NM_006096.4(NDRG1):c.1046G>A (p.Gly349Asp)

Gene: NDRG1 (N-myc downstream regulated 1; minus strand). Cytogenetic location: 8q24.22.
Variant type: single nucleotide variant.
Coding change: c.1046G>A on transcript NM_006096.4 (MANE Select); coding-DNA position 1046, G replaced by A.
Protein change: p.Gly349Asp; replaces glycine 349 with aspartic acid.
Molecular consequence: missense variant.
Genome position (GRCh38, 1-based): chr8:133,239,017, C>T on the plus strand (G>A on the coding strand, the complement: NDRG1 is on the minus strand). VCF-style: chr8-133239017-C-T. GRCh37 (hg19) VCF-style: chr8-134251260-C-T.
Other names: c.1046G>A, p.Gly349Asp (NM_001135242.2, NM_001374845.1, NM_001374846.1); c.848G>A, p.Gly283Asp (NM_001258432.2, NM_001374847.1); c.803G>A, p.Gly268Asp (NM_001258433.2); c.1097G>A, p.Gly366Asp (NM_001374844.1); short protein forms G283D, G349D, G268D, G366D.
Identifiers: ClinVar variation 662061 (VCV000662061.8), dbSNP rs1209851405, ClinGen allele CA372254457.
Genomic context (GRCh38, chr8:133,239,017, plus strand): 5'-CCCTCGCTGGTGTGCGAGCGGCTGCGGGTGCCCTCGCTGGTGTGGGAGCGGCTTCGGGTG[C>T]CCTCGCTGGTGTGGGAGCGGCTGCGGGTGCCATCCAGAGAAGTGACGCTGGAACCAGAGG-3'
Protein context (NP_006087.2, residues 339-359): GTRSRSHTSE[Gly349Asp]TRSRSHTSEG

ClinVar aggregate classification (germline): Uncertain significance. Review status: criteria provided, single submitter (1 of 4 stars). 2 submissions from 2 submitters: Uncertain significance (1). 1 of the submissions does not count toward it. Last evaluated 2021-09-01.

Conditions:
Charcot-Marie-Tooth disease type 4D. Also called: CHARCOT-MARIE-TOOTH DISEASE, DEMYELINATING, AUTOSOMAL RECESSIVE, TYPE 4D; NEUROPATHY, HEREDITARY MOTOR AND SENSORY, LOM TYPE; CHARCOT-MARIE-TOOTH DISEASE, DEMYELINATING, TYPE 4D; Charcot-Marie-Tooth Neuropathy Type 4D. Identifiers: Orphanet 99950, MedGen C1832334, MONDO:0011085, OMIM 601455.
Charcot-Marie-Tooth disease type 4. Also called: Charcot-Marie-Tooth, Type 4; Charcot-Marie-Tooth disease, type IV. Identifiers: Orphanet 64749, MedGen C4082197, MONDO:0018995.

Allele frequency attached by ClinVar (database versions not stated): gnomAD exomes 0.00001.
gnomAD v4.1: 18 of 1,598,244 alleles (0.0011%); highest among the groups gnomAD compares: Non-Finnish European, 0.0014%; no homozygotes.

Submissions (2):

Labcorp Genetics (formerly Invitae), Labcorp
Classification: Uncertain significance for Charcot-Marie-Tooth disease type 4. Last evaluated: 2021-09-01. Review status: criteria provided, single submitter. Criteria: Invitae Variant Classification Sherloc (09022015). Collection method: clinical testing. Allele origin: germline.
Comment: This sequence change replaces glycine with aspartic acid at codon 349 of the NDRG1 protein (p.Gly349Asp). The glycine residue is moderately conserved and there is a moderate physicochemical difference between glycine and aspartic acid. This variant is not present in population databases (ExAC no frequency). This variant has not been reported in the literature in individuals affected with NDRG1-related conditions. Algorithms developed to predict the effect of missense changes on protein structure and function (SIFT, PolyPhen-2, Align-GVGD) all suggest that this variant is likely to be tolerated. In summary, the available evidence is currently insufficient to determine the role of this variant in disease. Therefore, it has been classified as a Variant of Uncertain Significance.

Natera, Inc.
Classification: Uncertain significance for Charcot-Marie-Tooth disease type 4D. Last evaluated: 2020-01-24. Review status: no assertion criteria provided. Collection method: clinical testing. Allele origin: germline. Not counted in ClinVar's aggregate classification.